The following is an entry in ClinVar:

ClinVar aggregate classification (germline): Uncertain significance (1 of 4 stars; one submission).

Conditions:
Inborn genetic diseases. Identifiers: MedGen C0950123, MeSH D030342.

Submission:

Ambry Genetics
Classification: Uncertain significance for Inborn genetic diseases. Last evaluated: 2026-01-16. Review status: criteria provided, single submitter. Criteria: Ambry Variant Classification Scheme 2023. Collection method: clinical testing. Allele origin: germline.
Comment: The p.I992T variant (also known as c.2975T>C), located in coding exon 1 of the SAMD9L gene, results from a T to C substitution at nucleotide position 2975. The isoleucine at codon 992 is replaced by threonine, an amino acid with similar properties. This amino acid position is conserved. In addition, the in silico prediction for this alteration is inconclusive. Based on the available evidence, the clinical significance of this variant remains unclear.

NM_152703.5(SAMD9L):c.2975T>C (p.Ile992Thr)

Gene: SAMD9L (sterile alpha motif domain containing 9 like; minus strand). Cytogenetic location: 7q21.2.
Variant type: single nucleotide variant.
Coding change: c.2975T>C on transcript NM_152703.5 (MANE Select); coding-DNA position 2975, T replaced by C.
Protein change: p.Ile992Thr; replaces isoleucine 992 with threonine.
Molecular consequence: missense variant.
Genome position (GRCh38, 1-based): chr7:93,132,997, A>G on the plus strand (T>C on the coding strand, the complement: SAMD9L is on the minus strand). VCF-style: chr7-93132997-A-G. GRCh37 (hg19) VCF-style: chr7-92762310-A-G.
Other names: c.2975T>C, p.Ile992Thr (NM_001303496.3, NM_001303497.3, NM_001303498.3 and 5 more transcripts); short protein forms I992T.
Identifiers: ClinVar variation 4844797 (VCV004844797.1).